The following is an entry in ClinVar:

ClinVar aggregate classification (germline): Uncertain significance (1 of 4 stars; one submission).

Allele frequency attached by ClinVar (database versions not stated): ExAC 0.00001; gnomAD 0.00002.
gnomAD v4.1: 90 of 1,613,436 alleles (0.0056%); highest among the groups gnomAD compares: Non-Finnish European, 0.0074%; no homozygotes.

Submission:

Labcorp Genetics (formerly Invitae), Labcorp
Classification: Uncertain significance. Last evaluated: 2022-03-26. Review status: criteria provided, single submitter. Criteria: Invitae Variant Classification Sherloc (09022015). Collection method: clinical testing. Allele origin: germline.
Comment: This sequence change replaces alanine, which is neutral and non-polar, with threonine, which is neutral and polar, at codon 899 of the ADAMTS17 protein (p.Ala899Thr). This variant is present in population databases (rs774316306, gnomAD 0.005%). This variant has not been reported in the literature in individuals affected with ADAMTS17-related conditions. Algorithms developed to predict the effect of missense changes on protein structure and function output the following: SIFT: "Not Available"; PolyPhen-2: "Benign"; Align-GVGD: "Not Available". The threonine amino acid residue is found in multiple mammalian species, which suggests that this missense change does not adversely affect protein function. In summary, the available evidence is currently insufficient to determine the role of this variant in disease. Therefore, it has been classified as a Variant of Uncertain Significance.

NM_139057.4(ADAMTS17):c.2695G>A (p.Ala899Thr)

Gene: ADAMTS17 (ADAM metallopeptidase with thrombospondin type 1 motif 17; minus strand). Cytogenetic location: 15q26.3.
Variant type: single nucleotide variant.
Coding change: c.2695G>A on transcript NM_139057.4 (MANE Select); coding-DNA position 2695, G replaced by A.
Protein change: p.Ala899Thr; replaces alanine 899 with threonine.
Molecular consequence: missense variant.
Genome position (GRCh38, 1-based): chr15:99,997,486, C>T on the plus strand (G>A on the coding strand, the complement: ADAMTS17 is on the minus strand). VCF-style: chr15-99997486-C-T. GRCh37 (hg19) VCF-style: chr15-100537691-C-T.
Other names: short protein forms A899T.
Identifiers: ClinVar variation 1947946 (VCV001947946.2), dbSNP rs774316306, ClinGen allele CA7757616.